The following is an entry in ClinVar:

NM_001365951.3(KIF1B):c.1758G>C (p.Glu586Asp)

Gene: KIF1B (kinesin family member 1B; plus strand). Cytogenetic location: 1p36.22.
Variant type: single nucleotide variant.
Coding change: c.1758G>C on transcript NM_001365951.3 (MANE Select); coding-DNA position 1758, G replaced by C.
Protein change: p.Glu586Asp; replaces glutamic acid 586 with aspartic acid.
Molecular consequence: missense variant.
Genome position (GRCh38, 1-based): chr1:10,295,747, G>C. VCF-style: chr1-10295747-G-C. GRCh37 (hg19) VCF-style: chr1-10355805-G-C.
Other names: c.1620G>C, p.Glu540Asp (NM_183416.4, NM_001365953.1, NM_015074.3); c.1758G>C, p.Glu586Asp (NM_001365952.1); short protein forms E540D, E586D.
Identifiers: ClinVar variation 3226362 (VCV003226362.2), dbSNP rs1426968253, ClinGen allele CA338315152.
Genomic context (GRCh38, chr1:10,295,747, plus strand): 5'-CCAGGACATAGTGCTGAGCGGGGCTCACATTAAAGAAGAGCATTGTATCTTCCGGAGTGA[G>C]AGAAGCAACAGCGGGGAAGGTGAGCATTCCTGGCTGGAGCTTCAGCAACAACATTTTCAT-3'
Protein context (NP_001352880.1, residues 576-596): IKEEHCIFRS[Glu586Asp]RSNSGEVIVT

ClinVar aggregate classification (germline): Uncertain significance. Review status: criteria provided, multiple submitters, no conflicts (2 of 4 stars). 2 submissions from 2 submitters: Uncertain significance (2). Last evaluated 2025-03-13.

Conditions:
Charcot-Marie-Tooth disease type 2. Also called: Charcot-Marie-Tooth type 2. Identifiers: Orphanet 64746, MedGen C0270914, MONDO:0018993.

Allele frequency attached by ClinVar (database versions not stated): gnomAD exomes below 0.00001.

Submissions (2):

Labcorp Genetics (formerly Invitae), Labcorp
Classification: Uncertain significance for Charcot-Marie-Tooth disease type 2. Last evaluated: 2025-03-13. Review status: criteria provided, single submitter. Criteria: Invitae Variant Classification Sherloc (09022015). Collection method: clinical testing. Allele origin: germline.
Comment: This sequence change replaces glutamic acid, which is acidic and polar, with aspartic acid, which is acidic and polar, at codon 540 of the KIF1B protein (p.Glu540Asp). This variant is present in population databases (no rsID available, gnomAD 0.003%). This variant has not been reported in the literature in individuals affected with KIF1B-related conditions. ClinVar contains an entry for this variant (Variation ID: 3226362). An algorithm developed to predict the effect of missense changes on protein structure and function (PolyPhen-2) suggests that this variant is likely to be disruptive. In summary, the available evidence is currently insufficient to determine the role of this variant in disease. Therefore, it has been classified as a Variant of Uncertain Significance.

Ambry Genetics
Classification: Uncertain significance. Last evaluated: 2023-11-10. Review status: criteria provided, single submitter. Criteria: Ambry Variant Classification Scheme 2023. Collection method: clinical testing. Allele origin: germline.
Comment: The p.E540D variant (also known as c.1620G>C), located in coding exon 16 of the KIF1B gene, results from a G to C substitution at nucleotide position 1620. The glutamic acid at codon 540 is replaced by aspartic acid, an amino acid with highly similar properties. This amino acid position is conserved. In addition, the in silico prediction for this alteration is inconclusive. Since supporting evidence is limited at this time, the clinical significance of this alteration remains unclear.